The following is an entry in ClinVar:

NM_032608.7(MYO18B):c.6733A>G (p.Ser2245Gly)

Gene: MYO18B (myosin XVIIIB; plus strand). Cytogenetic location: 22q12.1.
Variant type: single nucleotide variant.
Coding change: c.6733A>G on transcript NM_032608.7 (MANE Select); coding-DNA position 6733, A replaced by G.
Protein change: p.Ser2245Gly; replaces serine 2245 with glycine.
Molecular consequence: missense variant.
Genome position (GRCh38, 1-based): chr22:26,026,707, A>G. VCF-style: chr22-26026707-A-G. GRCh37 (hg19) VCF-style: chr22-26422673-A-G.
Other names: c.6736A>G, p.Ser2246Gly (NM_001318245.2); c.6733A>G (NM_032608.5); short protein forms S2245G, S2246G.
Identifiers: ClinVar variation 2072486 (VCV002072486.5), dbSNP rs1407529944, ClinGen allele CA411010815.
Genomic context (GRCh38, chr22:26,026,707, plus strand): 5'-TCCTCTCCCCTGGCTTCTCGGAGTACAAATACATCCCCGCTGTCGAGGGAAAAGCTGCCC[A>G]GTCCTTCAGCGGCCCTCTCGGAGTTCGTGGAAGGGCTCCGGAGGAAGAGAGCCCAGAGAG-3'
Protein context (NP_115997.5, residues 2235-2255): TSPLSREKLP[Ser2245Gly]PSAALSEFVE

ClinVar aggregate classification (germline): Uncertain significance. Review status: criteria provided, multiple submitters, no conflicts (2 of 4 stars). 2 submissions from 2 submitters: Uncertain significance (2). Last evaluated 2024-10-21.

Conditions:
Inborn genetic diseases. Identifiers: MedGen C0950123, MeSH D030342.

Allele frequency attached by ClinVar (database versions not stated): gnomAD exomes below 0.00001.
gnomAD v4.1: 2 of 1,613,834 alleles (0.00012%); highest among the groups gnomAD compares: Non-Finnish European, 0.00017%; no homozygotes.

Submissions (2):

Ambry Genetics
Classification: Uncertain significance for Inborn genetic diseases. Last evaluated: 2024-10-21. Review status: criteria provided, single submitter. Criteria: Ambry Variant Classification Scheme 2023. Collection method: clinical testing. Allele origin: germline.

Labcorp Genetics (formerly Invitae), Labcorp
Classification: Uncertain significance. Last evaluated: 2022-05-12. Review status: criteria provided, single submitter. Criteria: Invitae Variant Classification Sherloc (09022015). Collection method: clinical testing. Allele origin: germline.
Comment: Algorithms developed to predict the effect of missense changes on protein structure and function are either unavailable or do not agree on the potential impact of this missense change (SIFT: "Not Available"; PolyPhen-2: "Probably Damaging"; Align-GVGD: "Not Available"). This sequence change replaces serine, which is neutral and polar, with glycine, which is neutral and non-polar, at codon 2245 of the MYO18B protein (p.Ser2245Gly). This variant is present in population databases (no rsID available, gnomAD 0.0009%). This variant has not been reported in the literature in individuals affected with MYO18B-related conditions. In summary, the available evidence is currently insufficient to determine the role of this variant in disease. Therefore, it has been classified as a Variant of Uncertain Significance.